The following is an entry in ClinVar:

ClinVar aggregate classification (germline): Likely benign. Review status: criteria provided, single submitter (1 of 4 stars). 2 submissions from 2 submitters: Likely benign (1). 1 of the submissions does not count toward it. Last evaluated 2026-01-05.

Conditions:
SCN1A-related disorder. Also called: SCN1A-related conditions; SCN1A-related condition; SCN1A-related disorders.
Early-infantile DEE. Also called: Early infantile epileptic encephalopathy with suppression bursts; Ohtahara syndrome; Early infantile epileptic encephalopathy. Identifiers: Orphanet 1934, MedGen C0393706, MONDO:0800491.

Allele frequency attached by ClinVar (database versions not stated): 1000 Genomes Project 0.00020; ExAC 0.00001; gnomAD 0.00001; gnomAD exomes 0.00001 and 0.00003; TOPMed 0.00001; 1000 Genomes Project 30x 0.00016.
gnomAD v4.1: 42 of 1,613,748 alleles (0.0026%); highest among the groups gnomAD compares: Middle Eastern, 0.017%; no homozygotes.

Submissions (2):

Labcorp Genetics (formerly Invitae), Labcorp
Classification: Likely benign for Early-infantile DEE. Last evaluated: 2026-01-05. Review status: criteria provided, single submitter. Criteria: Invitae Variant Classification Sherloc (09022015). Collection method: clinical testing. Allele origin: germline.

PreventionGenetics, part of Exact Sciences
Classification: Likely benign for SCN1A-related condition. Last evaluated: 2019-08-13. Review status: no assertion criteria provided. Collection method: clinical testing. Allele origin: germline. Not counted in ClinVar's aggregate classification.
Comment: This variant is classified as likely benign based on ACMG/AMP sequence variant interpretation guidelines (Richards et al. 2015 PMID: 25741868, with internal and published modifications).

NM_001165963.4(SCN1A):c.3408G>A (p.Ser1136=)

Genes: SCN1A (sodium voltage-gated channel alpha subunit 1; minus strand), LOC102724058 (uncharacterized LOC102724058; plus strand). Cytogenetic location: 2q24.3.
Variant type: single nucleotide variant.
Coding change: c.3408G>A on transcript NM_001165963.4 (MANE Select); coding-DNA position 3408, G replaced by A.
Protein change: p.Ser1136=; no amino-acid change (serine 1136 retained).
Molecular consequence: synonymous variant. On other transcripts: non-coding transcript variant (2).
Genome position (GRCh38, 1-based): chr2:166,036,069, C>T on the plus strand (G>A on the coding strand, the complement: SCN1A is on the minus strand). VCF-style: chr2-166036069-C-T. GRCh37 (hg19) VCF-style: chr2-166892579-C-T.
Other names: c.3324G>A, p.Ser1108= (NM_001165964.3, NM_001353957.2, NM_001353958.2); c.3408G>A, p.Ser1136= (NM_001202435.3, NM_001353948.2); c.3375G>A, p.Ser1125= (NM_001353949.2, NM_001353950.2, NM_001353951.2 and 2 more transcripts); c.3372G>A, p.Ser1124= (NM_001353954.2, NM_001353955.2); c.3321G>A, p.Ser1107= (NM_001353960.2); c.966G>A, p.Ser322= (NM_001353961.2); c.3408G>A (NM_001202435.1).
Identifiers: ClinVar variation 1084100 (VCV001084100.12), dbSNP rs181995339, ClinGen allele CA1942974.